The following is an entry in ClinVar:

ClinVar aggregate classification (germline): Uncertain significance (1 of 4 stars; one submission).

Conditions:
Ehlers-Danlos syndrome, classic type, 1 (EDSCL1). Also called: EHLERS-DANLOS SYNDROME, GRAVIS TYPE; EHLERS-DANLOS SYNDROME, SEVERE CLASSIC TYPE; Ehlers-Danlos syndrome, type 1; EDS I; Ehlers-Danlos Syndrome, Classic Type, COL5A1-Related. Identifiers: MedGen C0268335, MONDO:0019567, OMIM 130000.

Submission:

Labcorp Genetics (formerly Invitae), Labcorp
Classification: Uncertain significance for Ehlers-Danlos syndrome, classic type, 1. Last evaluated: 2022-03-20. Review status: criteria provided, single submitter. Criteria: Invitae Variant Classification Sherloc (09022015). Collection method: clinical testing. Allele origin: germline.
Comment: In summary, the available evidence is currently insufficient to determine the role of this variant in disease. Therefore, it has been classified as a Variant of Uncertain Significance. Advanced modeling of protein sequence and biophysical properties (such as structural, functional, and spatial information, amino acid conservation, physicochemical variation, residue mobility, and thermodynamic stability) performed at Invitae indicates that this missense variant is not expected to disrupt COL5A2 protein function. This variant has not been reported in the literature in individuals affected with COL5A2-related conditions. This variant is not present in population databases (gnomAD no frequency). This sequence change replaces alanine, which is neutral and non-polar, with aspartic acid, which is acidic and polar, at codon 1093 of the COL5A2 protein (p.Ala1093Asp).

NM_000393.5(COL5A2):c.3278C>A (p.Ala1093Asp)

Gene: COL5A2 (collagen type V alpha 2 chain; minus strand). Cytogenetic location: 2q32.2.
Variant type: single nucleotide variant.
Coding change: c.3278C>A on transcript NM_000393.5 (MANE Select); coding-DNA position 3278, C replaced by A.
Protein change: p.Ala1093Asp; replaces alanine 1093 with aspartic acid.
Molecular consequence: missense variant.
Genome position (GRCh38, 1-based): chr2:189,045,831, G>T on the plus strand (C>A on the coding strand, the complement: COL5A2 is on the minus strand). VCF-style: chr2-189045831-G-T. GRCh37 (hg19) VCF-style: chr2-189910557-G-T.
Other names: short protein forms A1093D.
Identifiers: ClinVar variation 2114798 (VCV002114798.4), dbSNP rs2469239699, ClinGen allele CA349862522.